The following is an entry in ClinVar:

NM_016032.4(ZDHHC9):c.805C>T (p.Arg269Cys)

Gene: ZDHHC9 (zDHHC palmitoyltransferase 9; minus strand). Cytogenetic location: Xq26.1.
Variant type: single nucleotide variant.
Coding change: c.805C>T on transcript NM_016032.4 (MANE Select); coding-DNA position 805, C replaced by T.
Protein change: p.Arg269Cys; replaces arginine 269 with cysteine.
Molecular consequence: missense variant.
Genome position (GRCh38, 1-based): chrX:129,811,482, G>A on the plus strand (C>T on the coding strand, the complement: ZDHHC9 is on the minus strand). VCF-style: chrX-129811482-G-A. GRCh37 (hg19) VCF-style: chrX-128945458-G-A.
Other names: c.805C>T, p.Arg269Cys (NM_001008222.3); short protein forms R269C.
Identifiers: ClinVar variation 2585198 (VCV002585198.4), dbSNP rs969303226, ClinGen allele CA414582701.

ClinVar aggregate classification (germline): Uncertain significance. Review status: criteria provided, multiple submitters, no conflicts (2 of 4 stars). 2 submissions from 2 submitters: Uncertain significance (2). Last evaluated 2023-02-16.

Conditions:
Intellectual developmental disorder, X-linked, syndromic, Raymond type. Also called: Syndromic X-linked intellectual disability Raymond type. Identifiers: MedGen C3275406, MONDO:0010427, OMIM 300799.

Allele frequency attached by ClinVar (database versions not stated): gnomAD exomes 0.00001.
gnomAD v4.1: 6 of 1,209,143 alleles (0.0005%); highest among the groups gnomAD compares: South Asian, 0.0018%; no homozygotes.

Submissions (2):

Labcorp Genetics (formerly Invitae), Labcorp
Classification: Uncertain significance for Intellectual developmental disorder, X-linked, syndromic, Raymond type. Last evaluated: 2023-02-16. Review status: criteria provided, single submitter. Criteria: Invitae Variant Classification Sherloc (09022015). Collection method: clinical testing. Allele origin: germline.
Comment: In summary, the available evidence is currently insufficient to determine the role of this variant in disease. Therefore, it has been classified as a Variant of Uncertain Significance. An algorithm developed to predict the effect of missense changes on protein structure and function (PolyPhen-2) suggests that this variant is likely to be disruptive. This variant has not been reported in the literature in individuals affected with ZDHHC9-related conditions. This variant is not present in population databases (gnomAD no frequency). This sequence change replaces arginine, which is basic and polar, with cysteine, which is neutral and slightly polar, at codon 269 of the ZDHHC9 protein (p.Arg269Cys).

Neuberg Centre For Genomic Medicine, NCGM
Classification: Uncertain significance for Intellectual developmental disorder, X-linked, syndromic, Raymond type. Review status: criteria provided, single submitter. Criteria: ACMG Guidelines, 2015. Collection method: clinical testing. Allele origin: germline. Inheritance: X-linked inheritance. Affected: yes.
Comment: The missense variant p.R269C in ZDHHC9 (NM_016032.4) has not been reported previously as a pathogenic variant nor as a benign variant, to our knowledge. The p.R269C variant is novel (not in any individuals) in gnomAD Exomes. There is a large physicochemical difference between arginine and cysteine, which is likely to impact secondary protein structure as these residues differ in polarity, charge, size and/or other properties. The p.R269C missense variant is predicted to be damaging by both SIFT and PolyPhen2. The arginine residue at codon 269 of ZDHHC9 is conserved in all mammalian species. The nucleotide c.805 in ZDHHC9 is predicted conserved by GERP++ and PhyloP across 100 vertebrates. For these reasons, this variant has been classified as Uncertain Significance.